The following is an entry in ClinVar:

ClinVar aggregate classification (germline): Uncertain significance. Review status: criteria provided, multiple submitters, no conflicts (2 of 4 stars). 2 submissions from 2 submitters: Uncertain significance (2). Last evaluated 2022-06-19.

Allele frequency attached by ClinVar (database versions not stated): TOPMed below 0.00001.
gnomAD v4.1: 2 of 1,613,990 alleles (0.00012%); highest among the groups gnomAD compares: Non-Finnish European, 0.00017%; no homozygotes.

Submissions (2):

Labcorp Genetics (formerly Invitae), Labcorp
Classification: Uncertain significance. Last evaluated: 2022-06-19. Review status: criteria provided, single submitter. Criteria: Invitae Variant Classification Sherloc (09022015). Collection method: clinical testing. Allele origin: germline.
Comment: In summary, the available evidence is currently insufficient to determine the role of this variant in disease. Therefore, it has been classified as a Variant of Uncertain Significance. Algorithms developed to predict the effect of missense changes on protein structure and function (SIFT, PolyPhen-2, Align-GVGD) all suggest that this variant is likely to be tolerated. ClinVar contains an entry for this variant (Variation ID: 451512). This variant has not been reported in the literature in individuals affected with AP3B2-related conditions. This variant is not present in population databases (gnomAD no frequency). This sequence change replaces phenylalanine, which is neutral and non-polar, with leucine, which is neutral and non-polar, at codon 581 of the AP3B2 protein (p.Phe581Leu).

GeneDx
Classification: Uncertain significance. Last evaluated: 2017-08-21. Review status: criteria provided, single submitter. Criteria: GeneDx Variant Classification (06012015). Collection method: clinical testing. Allele origin: germline. Affected: yes.
Comment: The F581L variant in the AP3B2 gene has not been reported previously as a pathogenic variant, nor as a benign variant, to our knowledge. The F581L variant is not observed in large population cohorts (Lek et al., 2016; 1000 Genomes Consortium et al., 2015; Exome Variant Server). The F581L variant is a conservative amino acid substitution, which is not likely to impact secondary protein structure as these residues share similar properties. This substitution occurs at a position that is conserved across species. In silico analysis predicts this variant is probably damaging to the protein structure/function. We interpret F581L as a variant of uncertain significance.

NM_001278512.2(AP3B2):c.1741T>C (p.Phe581Leu)

Genes: AP3B2 (adaptor related protein complex 3 subunit beta 2; minus strand), CPEB1-AS1 (CPEB1 antisense RNA 1; plus strand). Cytogenetic location: 15q25.2.
Variant type: single nucleotide variant.
Coding change: c.1741T>C on transcript NM_001278512.2 (MANE Select); coding-DNA position 1741, T replaced by C.
Protein change: p.Phe581Leu; replaces phenylalanine 581 with leucine.
Molecular consequence: missense variant.
Genome position (GRCh38, 1-based): chr15:82,666,858, A>G on the plus strand (T>C on the coding strand, the complement: AP3B2 is on the minus strand). VCF-style: chr15-82666858-A-G. GRCh37 (hg19) VCF-style: chr15-83335610-A-G.
Other names: c.1645T>C, p.Phe549Leu (NM_001278511.2); c.1741T>C, p.Phe581Leu (NM_004644.5); short protein forms F581L, F549L.
Identifiers: ClinVar variation 451512 (VCV000451512.6), dbSNP rs1555465250, ClinGen allele CA393314047.